The following is an entry in ClinVar:

NM_001378477.3(NYX):c.32T>A (p.Leu11His)

Gene: NYX (nyctalopin; plus strand). Cytogenetic location: Xp11.4.
Variant type: single nucleotide variant.
Coding change: c.32T>A on transcript NM_001378477.3 (MANE Select); coding-DNA position 32, T replaced by A.
Protein change: p.Leu11His; replaces leucine 11 with histidine.
Molecular consequence: missense variant.
Genome position (GRCh38, 1-based): chrX:41,473,500, T>A. VCF-style: chrX-41473500-T-A. GRCh37 (hg19) VCF-style: chrX-41332753-T-A.
Other names: c.32T>A, p.Leu11His (NM_022567.3); short protein forms L11H.
Identifiers: ClinVar variation 1942960 (VCV001942960.5), dbSNP rs2064370785, ClinGen allele CA412989175.

ClinVar aggregate classification (germline): Uncertain significance (1 of 4 stars; one submission).

Allele frequency attached by ClinVar (database versions not stated): TOPMed below 0.00001.

Submission:

Labcorp Genetics (formerly Invitae), Labcorp
Classification: Uncertain significance. Last evaluated: 2024-02-19. Review status: criteria provided, single submitter. Criteria: Invitae Variant Classification Sherloc (09022015). Collection method: clinical testing. Allele origin: germline.
Comment: This sequence change replaces leucine, which is neutral and non-polar, with histidine, which is basic and polar, at codon 16 of the NYX protein (p.Leu16His). The frequency data for this variant in the population databases is considered unreliable, as metrics indicate insufficient coverage at this position in the gnomAD database. This variant has not been reported in the literature in individuals affected with NYX-related conditions. ClinVar contains an entry for this variant (Variation ID: 1942960). Advanced modeling of protein sequence and biophysical properties (such as structural, functional, and spatial information, amino acid conservation, physicochemical variation, residue mobility, and thermodynamic stability) performed at Invitae indicates that this missense variant is not expected to disrupt NYX protein function with a negative predictive value of 80%. In summary, the available evidence is currently insufficient to determine the role of this variant in disease. Therefore, it has been classified as a Variant of Uncertain Significance.